The following is an entry in ClinVar:

NM_004706.4(ARHGEF1):c.1480G>T (p.Asp494Tyr)

Gene: ARHGEF1 (Rho guanine nucleotide exchange factor 1; plus strand). Cytogenetic location: 19q13.2.
Variant type: single nucleotide variant.
Coding change: c.1480G>T on transcript NM_004706.4 (MANE Select); coding-DNA position 1480, G replaced by T.
Protein change: p.Asp494Tyr; replaces aspartic acid 494 with tyrosine.
Molecular consequence: missense variant. On other transcripts: non-coding transcript variant (2).
Genome position (GRCh38, 1-based): chr19:41,902,339, G>T. VCF-style: chr19-41902339-G-T. GRCh37 (hg19) VCF-style: chr19-42406489-G-T.
Other names: c.1648G>T, p.Asp550Tyr (NM_001396000.1); c.1381G>T, p.Asp461Tyr (NM_001396002.1, NM_001396004.1, NM_198977.2); c.1480G>T, p.Asp494Tyr (NM_001396003.1, NM_001396006.1); c.1525G>T, p.Asp509Tyr (NM_199002.2); short protein forms D461Y, D494Y, D509Y, D550Y.
Identifiers: ClinVar variation 4071544 (VCV004071544.1).

ClinVar aggregate classification (germline): Uncertain significance (1 of 4 stars; one submission).

Conditions:
Immunodeficiency 62. Identifiers: Orphanet 696942, MedGen C5193109, MONDO:0032763, OMIM 618459.

Submission:

Next Generation Genetic Polyclinic
Classification: Uncertain significance for Immunodeficiency 62. Last evaluated: 2025-05-03. Review status: criteria provided, single submitter. Criteria: ACMG Guidelines, 2015. Collection method: curation. Allele origin: germline. Affected: yes. Observed: 1 variant allele.
Comment: Novel missense variant in the ARHGEF1 gene (NM_004706.4:c.1480G>T), identified through curation and currently classified as a Variant of Uncertain Significance (VUS). This germline homozygous alteration follows autosomal recessive inheritance and is predicted to be deleterious based on computational analysis (PP3). The variant affects a conserved region of the gene and has not been observed in population databases (PM2). No prior entries are available in ClinVar or published literature. ACMG criteria support uncertain significance: PM2, PP3, PP4 (if clinical phenotype is consistent with ARHGEF1-related conditions).